The following is an entry in ClinVar:

NM_001042492.3(NF1):c.6352del (p.Arg2119fs)

Gene: NF1 (neurofibromin 1; plus strand). Cytogenetic location: 17q11.2.
Variant type: Deletion.
Coding change: c.6352del on transcript NM_001042492.3 (MANE Select); coding-DNA position 6352, one base deleted (C; older notation c.6352delC).
Protein change: p.Arg2119fs; shifts the reading frame from arginine 2119.
Molecular consequence: frameshift variant.
Genome position (GRCh38, 1-based): chr17:31,336,839, C deleted; the last of 3 consecutive C bases (chr17:31,336,837-31,336,839); deleting any one gives the same sequence. VCF-style (leftmost placement, unchanged base first): chr17-31336836-TC-T. GRCh37 (hg19) VCF-style: chr17-29663854-TC-T.
Other names: c.6289delC, p.Arg2098Glufs (NM_000267.4); short protein forms R2119fs, R2098fs.
Identifiers: ClinVar variation 2080489 (VCV002080489.4), dbSNP rs2151554927, ClinGen allele CA2580093307.

ClinVar aggregate classification (germline): Pathogenic (1 of 4 stars; one submission).

Conditions:
Neurofibromatosis, type 1 (NF1). Also called: Neurofibromatosis, type I; VON RECKLINGHAUSEN DISEASE; NEUROFIBROMATOSIS, TYPE I, SOMATIC; Peripheral type neurofibromatosis. Identifiers: Orphanet 636, MedGen C0027831, MONDO:0018975, OMIM 162200. Disease mechanism: loss of function.

Submission:

Labcorp Genetics (formerly Invitae), Labcorp
Classification: Pathogenic for Neurofibromatosis, type 1. Last evaluated: 2023-07-07. Review status: criteria provided, single submitter. Criteria: Invitae Variant Classification Sherloc (09022015). Collection method: clinical testing. Allele origin: germline.
Comment: This variant has not been reported in the literature in individuals affected with NF1-related conditions. This sequence change creates a premature translational stop signal (p.Arg2098Glufs*31) in the NF1 gene. It is expected to result in an absent or disrupted protein product. Loss-of-function variants in NF1 are known to be pathogenic (PMID: 10712197, 23913538). This variant is not present in population databases (gnomAD no frequency). ClinVar contains an entry for this variant (Variation ID: 2080489). For these reasons, this variant has been classified as Pathogenic.

Literature cited by the submitters: PubMed 10712197; PubMed 23913538.